The following is an entry in ClinVar:

ClinVar aggregate classification (germline): Uncertain significance. Review status: criteria provided, multiple submitters, no conflicts (2 of 4 stars). 2 submissions from 2 submitters: Uncertain significance (2). Last evaluated 2021-12-03.

Conditions:
Mitochondrial complex I deficiency, nuclear type 1. Also called: NADH-COENZYME Q REDUCTASE DEFICIENCY; MITOCHONDRIAL NADH DEHYDROGENASE COMPONENT OF COMPLEX I, DEFICIENCY OF. Identifiers: MedGen C6022305, MONDO:0100224, OMIM 252010.

Allele frequency attached by ClinVar (database versions not stated): gnomAD 0.00006; ExAC below 0.00001; gnomAD exomes 0.00001; TOPMed 0.00005.
gnomAD v4.1: 73 of 1,566,044 alleles (0.0047%); highest among the groups gnomAD compares: African/African-American, 0.0068%; no homozygotes.

Submissions (2):

Labcorp Genetics (formerly Invitae), Labcorp
Classification: Uncertain significance. Last evaluated: 2021-12-03. Review status: criteria provided, single submitter. Criteria: Invitae Variant Classification Sherloc (09022015). Collection method: clinical testing. Allele origin: germline.
Comment: The frequency data for this variant in the population databases is considered unreliable, as metrics indicate poor data quality at this position in the gnomAD database. In summary, the available evidence is currently insufficient to determine the role of this variant in disease. Therefore, it has been classified as a Variant of Uncertain Significance. Algorithms developed to predict the effect of missense changes on protein structure and function output the following: SIFT: "Tolerated"; PolyPhen-2: "Benign"; Align-GVGD: "Class C0". The methionine amino acid residue is found in multiple mammalian species, which suggests that this missense change does not adversely affect protein function. ClinVar contains an entry for this variant (Variation ID: 1029291). This variant has not been reported in the literature in individuals affected with NDUFA11-related conditions. This sequence change replaces valine, which is neutral and non-polar, with methionine, which is neutral and non-polar, at codon 69 of the NDUFA11 protein (p.Val69Met).

Baylor Genetics
Classification: Uncertain significance for Mitochondrial complex I deficiency, nuclear type 1. Last evaluated: 2019-02-20. Review status: criteria provided, single submitter. Criteria: ACMG Guidelines, 2015. Collection method: clinical testing. Allele origin: paternal. Affected: yes.
Comment: This variant was determined to be of uncertain significance according to ACMG Guidelines, 2015 [PMID:25741868].

NM_175614.5(NDUFA11):c.205G>A (p.Val69Met)

Gene: NDUFA11 (NADH:ubiquinone oxidoreductase subunit A11; minus strand). Cytogenetic location: 19p13.3.
Variant type: single nucleotide variant.
Coding change: c.205G>A on transcript NM_175614.5 (MANE Select); coding-DNA position 205, G replaced by A.
Protein change: p.Val69Met; replaces valine 69 with methionine.
Molecular consequence: missense variant. On other transcripts: non-coding transcript variant (1).
Genome position (GRCh38, 1-based): chr19:5,896,561, C>T on the plus strand (G>A on the coding strand, the complement: NDUFA11 is on the minus strand). VCF-style: chr19-5896561-C-T. GRCh37 (hg19) VCF-style: chr19-5896572-C-T.
Other names: c.205G>A, p.Val69Met (NM_001193375.3); short protein forms V69M.
Identifiers: ClinVar variation 1029291 (VCV001029291.9), dbSNP rs774174896, ClinGen allele CA9118968.